The following is an entry in ClinVar:

ClinVar aggregate classification (germline): Likely benign. Review status: criteria provided, multiple submitters, no conflicts (2 of 4 stars). 2 submissions from 2 submitters: Likely benign (2). Last evaluated 2025-03-23.

Conditions:
POLD1-related polyposis and colorectal cancer syndrome (CRCS10). Also called: Colorectal cancer 10; COLORECTAL CANCER, SUSCEPTIBILITY TO, ON CHROMOSOME 19q; Colorectal cancer, susceptibility to, 10. Identifiers: Orphanet 220460, MedGen C2675481, MONDO:0012953, OMIM 612591.

Submissions (2):

Labcorp Genetics (formerly Invitae), Labcorp
Classification: Likely benign for POLD1-related polyposis and colorectal cancer syndrome. Last evaluated: 2025-03-23. Review status: criteria provided, single submitter. Criteria: Invitae Variant Classification Sherloc (09022015). Collection method: clinical testing. Allele origin: germline.

GeneDx
Classification: Likely benign. Last evaluated: 2016-09-19. Review status: criteria provided, single submitter. Criteria: GeneDx Variant Classification (06012015). Collection method: clinical testing. Allele origin: germline. Affected: yes.
Comment: This variant is considered likely benign or benign based on one or more of the following criteria: it is a conservative change, it occurs at a poorly conserved position in the protein, it is predicted to be benign by multiple in silico algorithms, and/or has population frequency not consistent with disease.

NM_002691.4(POLD1):c.3218+7_3218+13del

Gene: POLD1 (DNA polymerase delta 1, catalytic subunit; plus strand). Cytogenetic location: 19q13.33.
Variant type: Deletion.
Coding change: c.3218+7_3218+13del on transcript NM_002691.4 (MANE Select); bases 7 to 13 of the intron after coding-DNA position 3218, 7 bases deleted (GCCATGT; older notation c.3218+7_3218+13delGCCATGT).
Molecular consequence: intron variant.
Genome position (GRCh38, 1-based): chr19:50,417,276-50,417,282, GCCATGT deleted; deleting any 7 consecutive bases within chr19:50,417,273-50,417,282 gives the same sequence; the c. name uses the placement nearest the transcript's 3' end. VCF-style (leftmost placement, unchanged base first): chr19-50417272-GTGTGCCA-G. GRCh37 (hg19) VCF-style: chr19-50920529-GTGTGCCA-G.
Other names: c.3218+7_3218+13del (NM_001256849.1, NM_002691.3); c.3296+7_3296+13del (NM_001308632.1).
Identifiers: ClinVar variation 422270 (VCV000422270.11), dbSNP rs1064795670, ClinGen allele CA16620904.